The following is an entry in ClinVar:

NM_000171.4(GLRA1):c.910A>C (p.Lys304Gln)

Gene: GLRA1 (glycine receptor alpha 1; minus strand). Cytogenetic location: 5q33.1.
Variant type: single nucleotide variant.
Coding change: c.910A>C on transcript NM_000171.4 (MANE Select); coding-DNA position 910, A replaced by C.
Protein change: p.Lys304Gln; replaces lysine 304 with glutamine.
Molecular consequence: missense variant.
Genome position (GRCh38, 1-based): chr5:151,851,392, T>G on the plus strand (A>C on the coding strand, the complement: GLRA1 is on the minus strand). VCF-style: chr5-151851392-T-G. GRCh37 (hg19) VCF-style: chr5-151230953-T-G.
Other names: c.910A>C, p.Lys304Gln (NM_001146040.2); c.661A>C, p.Lys221Gln (NM_001292000.2); short protein forms K221Q, K304Q.
Identifiers: ClinVar variation 4759205 (VCV004759205.1).

ClinVar aggregate classification (germline): Pathogenic (1 of 4 stars; one submission).

Conditions:
Hereditary hyperekplexia. Identifiers: Orphanet 3197, MedGen C4084968, MONDO:0021022.

Submission:

Labcorp Genetics (formerly Invitae), Labcorp
Classification: Pathogenic for Hereditary hyperekplexia. Last evaluated: 2025-09-21. Review status: criteria provided, single submitter. Criteria: Invitae Variant Classification Sherloc (09022015). Collection method: clinical testing. Allele origin: germline.
Comment: This sequence change replaces lysine, which is basic and polar, with glutamine, which is neutral and polar, at codon 304 of the GLRA1 protein (p.Lys304Gln). This variant is not present in population databases (gnomAD no frequency). This missense change has been observed in individual(s) with clinical features of autosomal dominant hyperekplexia (PMID: 18175347; internal data). In at least one individual the variant was observed to be de novo. An algorithm developed to predict the effect of missense changes on protein structure and function (PolyPhen-2) suggests that this variant is likely to be disruptive. This variant disrupts the p.Lys304 amino acid residue in GLRA1. Other variant(s) that disrupt this residue have been determined to be pathogenic (PMID: 17641268). This suggests that this residue is clinically significant, and that variants that disrupt this residue are likely to be disease-causing. For these reasons, this variant has been classified as Pathogenic.

Literature cited by the submitters: PubMed 18175347; PubMed 17641268.